The following is an entry in ClinVar:

ClinVar aggregate classification (germline): Uncertain significance (1 of 4 stars; one submission).

Submission:

Labcorp Genetics (formerly Invitae), Labcorp
Classification: Uncertain significance. Last evaluated: 2025-06-05. Review status: criteria provided, single submitter. Criteria: Invitae Variant Classification Sherloc (09022015). Collection method: clinical testing. Allele origin: germline.
Comment: This sequence change replaces alanine, which is neutral and non-polar, with glycine, which is neutral and non-polar, at codon 1812 of the NYNRIN protein (p.Ala1812Gly). This variant is not present in population databases (gnomAD no frequency). This variant has not been reported in the literature in individuals affected with NYNRIN-related conditions. Experimental studies and prediction algorithms are not available or were not evaluated, and the functional significance of this variant is currently unknown. In summary, the available evidence is currently insufficient to determine the role of this variant in disease. Therefore, it has been classified as a Variant of Uncertain Significance.

NM_025081.3(NYNRIN):c.5435C>G (p.Ala1812Gly)

Gene: NYNRIN (NYN domain and retroviral integrase containing; plus strand). Cytogenetic location: 14q12.
Variant type: single nucleotide variant.
Coding change: c.5435C>G on transcript NM_025081.3 (MANE Select); coding-DNA position 5435, C replaced by G.
Protein change: p.Ala1812Gly; replaces alanine 1812 with glycine.
Molecular consequence: missense variant.
Genome position (GRCh38, 1-based): chr14:24,417,184, C>G. VCF-style: chr14-24417184-C-G. GRCh37 (hg19) VCF-style: chr14-24886390-C-G.
Other names: short protein forms A1812G.
Identifiers: ClinVar variation 4719028 (VCV004719028.1).